The following is an entry in ClinVar:

NC_000012.11:g.(?_5020545)_(5155155_?)del

Genes: KCNA1 (potassium voltage-gated channel subfamily A member 1; plus strand), KCNA5 (potassium voltage-gated channel subfamily A member 5; plus strand). Cytogenetic location: 12p13.32.
Variant type: Deletion.
Identifiers: ClinVar variation 2422592 (VCV002422592.4).

ClinVar aggregate classification (germline): Uncertain significance. Review status: criteria provided, single submitter (1 of 4 stars). 2 submissions from 1 submitter: Uncertain significance (2). Last evaluated 2022-02-19.

Conditions:
Atrial fibrillation, familial, 7 (ATFB7). Identifiers: MedGen C2677106, MONDO:0012828, OMIM 612240.
Episodic ataxia type 1 (EA1). Also called: ATAXIA, EPISODIC, WITH MYOKYMIA; Episodic ataxia/myokymia syndrome; PAROXYSMAL ATAXIA WITH NEUROMYOTONIA, HEREDITARY; MYOKYMIA WITH PERIODIC ATAXIA. Identifiers: Orphanet 37612, Orphanet 972, MedGen C1719788, MONDO:0008047, OMIM 160120.

Submissions (2):

Labcorp Genetics (formerly Invitae), Labcorp
Classification: Uncertain significance for Episodic ataxia type 1. Last evaluated: 2022-02-19. Review status: criteria provided, single submitter. Criteria: Invitae Variant Classification Sherloc (09022015). Collection method: clinical testing. Allele origin: germline.
Comment: A gross deletion of the genomic region encompassing the full coding sequence of the KCNA1 gene has been identified. The current clinical and genetic evidence is not sufficient to establish whether loss-of-function variants in KCNA1 cause disease. The boundaries of this event are unknown as they extend beyond the assayed region for this gene and therefore may encompass additional genes. Isolated whole-gene deletions of KCNA1 have not been reported in the literature. However, larger copy number events that include this gene have been reported (PMID: 21858020). In summary, the available evidence is currently insufficient to determine the role of this variant in disease. Therefore, it has been classified as a Variant of Uncertain Significance.

Labcorp Genetics (formerly Invitae), Labcorp
Classification: Uncertain significance for Atrial fibrillation, familial, 7. Last evaluated: 2022-02-19. Review status: criteria provided, single submitter. Criteria: Invitae Variant Classification Sherloc (09022015). Collection method: clinical testing. Allele origin: unknown.
Comment: A gross deletion of the genomic region encompassing the full coding sequence of the KCNA5 gene has been identified. The current clinical and genetic evidence is not sufficient to establish whether loss-of-function variants in KCNA5 cause disease. The boundaries of this event are unknown as they extend beyond the assayed region for this gene and therefore may encompass additional genes. In summary, the available evidence is currently insufficient to determine the role of this variant in disease. Therefore, it has been classified as a Variant of Uncertain Significance. Isolated whole-gene deletions of KCNA5 have not been reported in the literature. However, larger copy number events that include this gene have been reported (PMID: 21858020).

Literature cited by the submitters: PubMed 21858020.